The following is an entry in ClinVar:

ClinVar aggregate classification (germline): Likely benign (0 of 4 stars; one submission).

Conditions:
SLC51A-related disorder. Also called: SLC51A-related condition.

Allele frequency attached by ClinVar (database versions not stated): TOPMed 0.00002; gnomAD 0.00009; gnomAD exomes 0.00010; ExAC 0.00032; 1000 Genomes Project 0.00120; 1000 Genomes Project 30x 0.00125.
gnomAD v4.1: 164 of 1,613,084 alleles (0.01%); highest among the groups gnomAD compares: South Asian, 0.17%; 3 homozygotes.

Submission:

PreventionGenetics, part of Exact Sciences
Classification: Likely benign for SLC51A-related condition. Last evaluated: 2023-02-06. Review status: no assertion criteria provided. Collection method: clinical testing. Allele origin: germline.
Comment: This variant is classified as likely benign based on ACMG/AMP sequence variant interpretation guidelines (Richards et al. 2015 PMID: 25741868, with internal and published modifications).

NM_152672.6(SLC51A):c.757G>C (p.Gly253Arg)

Gene: SLC51A (solute carrier family 51 member A; plus strand). Cytogenetic location: 3q29.
Variant type: single nucleotide variant.
Coding change: c.757G>C on transcript NM_152672.6 (MANE Select); coding-DNA position 757, G replaced by C.
Protein change: p.Gly253Arg; replaces glycine 253 with arginine.
Molecular consequence: missense variant.
Genome position (GRCh38, 1-based): chr3:196,230,038, G>C. VCF-style: chr3-196230038-G-C. GRCh37 (hg19) VCF-style: chr3-195956909-G-C.
Other names: short protein forms G253R.
Identifiers: ClinVar variation 3042726 (VCV003042726.2), dbSNP rs202017943, ClinGen allele CA2779204.